The following is an entry in ClinVar:

ClinVar aggregate classification (germline): Conflicting classifications of pathogenicity. Review status: criteria provided, conflicting classifications (1 of 4 stars). 3 submissions from 3 submitters: Uncertain significance (2); Likely benign (1). Last evaluated 2025-08-25.

Conditions:
Inborn genetic diseases. Identifiers: MedGen C0950123, MeSH D030342.

Allele frequency attached by ClinVar (database versions not stated): gnomAD exomes 0.00004 and 0.00006; ExAC 0.00007; ESP Exome Variant Server 0.00023; gnomAD 0.00023 and 0.00024; TOPMed 0.00026; 1000 Genomes Project 0.00060; 1000 Genomes Project 30x 0.00062.
gnomAD v4.1: 94 of 1,614,062 alleles (0.0058%); highest among the groups gnomAD compares: African/African-American, 0.077%; no homozygotes.

Submissions (3):

Ambry Genetics
Classification: Likely benign for Inborn genetic diseases. Last evaluated: 2025-08-25. Review status: criteria provided, single submitter. Criteria: Ambry Variant Classification Scheme 2023. Collection method: clinical testing. Allele origin: germline.

Blueprint Genetics
Classification: Uncertain significance. Last evaluated: 2024-10-11. Review status: criteria provided, single submitter. Criteria: ACMG Guidelines, 2015. Collection method: clinical testing. Allele origin: germline.

Labcorp Genetics (formerly Invitae), Labcorp
Classification: Uncertain significance. Last evaluated: 2024-02-24. Review status: criteria provided, single submitter. Criteria: Invitae Variant Classification Sherloc (09022015). Collection method: clinical testing. Allele origin: germline.
Comment: This sequence change replaces alanine, which is neutral and non-polar, with valine, which is neutral and non-polar, at codon 618 of the VPS13D protein (p.Ala618Val). This variant is present in population databases (rs150135933, gnomAD 0.05%). This variant has not been reported in the literature in individuals affected with VPS13D-related conditions. ClinVar contains an entry for this variant (Variation ID: 1373016). Advanced modeling of protein sequence and biophysical properties (such as structural, functional, and spatial information, amino acid conservation, physicochemical variation, residue mobility, and thermodynamic stability) performed at Invitae indicates that this missense variant is not expected to disrupt VPS13D protein function with a negative predictive value of 80%. In summary, the available evidence is currently insufficient to determine the role of this variant in disease. Therefore, it has been classified as a Variant of Uncertain Significance.

NM_015378.4(VPS13D):c.1853C>T (p.Ala618Val)

Gene: VPS13D (vacuolar protein sorting 13 homolog D; plus strand). Cytogenetic location: 1p36.22.
Variant type: single nucleotide variant.
Coding change: c.1853C>T on transcript NM_015378.4 (MANE Select); coding-DNA position 1853, C replaced by T.
Protein change: p.Ala618Val; replaces alanine 618 with valine.
Molecular consequence: missense variant.
Genome position (GRCh38, 1-based): chr1:12,268,757, C>T. VCF-style: chr1-12268757-C-T. GRCh37 (hg19) VCF-style: chr1-12328814-C-T.
Other names: c.1853C>T (NM_015378.2); c.1853C>T, p.Ala618Val (NM_018156.4); short protein forms A618V.
Identifiers: ClinVar variation 1373016 (VCV001373016.8), dbSNP rs150135933, ClinGen allele CA601664.
Genomic context (GRCh38, chr1:12,268,757, plus strand): 5'-TTCCTTTAGCTGCAGATCCAGATGGCCCCGTTTTTGAGATGCTGTATGAGAGAAATCCGG[C>T]GCACAGCCACTTTGAGAGGCGGCTCAATGTCAGCACAAGGCCCTTGAACATCATATACAA-3'
Protein context (NP_056193.2, residues 608-628): VFEMLYERNP[Ala618Val]HSHFERRLNV